The following is an entry in ClinVar:

ClinVar aggregate classification (germline): Benign/Likely benign. Review status: criteria provided, multiple submitters, no conflicts (2 of 4 stars). 5 submissions from 5 submitters: Benign (1); Likely benign (4). Last evaluated 2025-04-03.

Conditions:
Hereditary cancer-predisposing syndrome. Also called: Hereditary Cancer Syndrome; Neoplastic Syndromes, Hereditary; Tumor predisposition; Hereditary neoplastic syndrome. Identifiers: Orphanet 140162, MedGen C0027672, MeSH D009386, MONDO:0015356.
CDH1-related diffuse gastric and lobular breast cancer syndrome. Also called: CDH1-related diffuse gastric and lobular breast cancer. Identifiers: MedGen CN311521, MONDO:0100488.
Hereditary diffuse gastric adenocarcinoma (HDGC). Also called: DIFFUSE GASTRIC AND LOBULAR BREAST CANCER SYNDROME. Identifiers: Orphanet 26106, MedGen C1708349, MONDO:0007648, OMIM 137215.

Allele frequency attached by ClinVar (database versions not stated): TOPMed below 0.00001.

Submissions (5):

Molecular Diagnostics Laboratory, Catalan Institute of Oncology
Classification: Likely benign for Hereditary cancer-predisposing syndrome. Last evaluated: 2025-04-03. Review status: criteria provided, single submitter. Criteria: ClinGen CDH1 ACMG Specifications CDH1 V3.1.0. Collection method: clinical testing. Allele origin: germline.
Comment: PM2_Supporting, BP4, BP7 c.1374T>C located in exon 10 of the CDH1 gene affects a non-conserved nucleotide, resulting in no amino acid change, p.(Asn458=) (BP7).It is not present in the population database gnomAD v2.1.1, non cancer dataset (PM2_supporting). The SpliceAI algorithm predicts no significant impact on splicing (BP4). To our knowledge, neither clinical data nor functional studies have been reported for this variant. In addition, the variant was reported in the ClinVar database (1x benign, 2x likely benign), but not in the LOVD database. Based on currently available information, the variant c.1374T>C should be considered a likely benign variant according to ClinGen CDH1 Expert Panel Specifications to the ACMG/AMP Variant Interpretation Guidelines Version 3.1.

Myriad Genetics, Inc.
Classification: Benign for Hereditary diffuse gastric adenocarcinoma. Last evaluated: 2024-09-18. Review status: criteria provided, single submitter. Criteria: Myriad Autosomal Dominant, Autosomal Recessive and X-Linked Classification Criteria (2023). Collection method: clinical testing. Allele origin: unknown.
Comment: This variant is considered benign. This variant is a silent/synonymous amino acid change and it is not expected to impact splicing.

Department of Pathology and Laboratory Medicine, Sinai Health System
Classification: Likely benign for CDH1-related diffuse gastric and lobular breast cancer syndrome. Last evaluated: 2024-06-05. Review status: criteria provided, single submitter. Criteria: ACMG Guidelines, 2015. Collection method: clinical testing. Allele origin: germline. Affected: no.

Labcorp Genetics (formerly Invitae), Labcorp
Classification: Likely benign for Hereditary diffuse gastric adenocarcinoma. Last evaluated: 2020-04-19. Review status: criteria provided, single submitter. Criteria: Invitae Variant Classification Sherloc (09022015). Collection method: clinical testing. Allele origin: germline.

Ambry Genetics
Classification: Likely benign for Hereditary cancer-predisposing syndrome. Last evaluated: 2014-09-08. Review status: criteria provided, single submitter. Criteria: Ambry Variant Classification Scheme 2023. Collection method: clinical testing. Allele origin: germline.

NM_004360.5(CDH1):c.1374T>C (p.Asn458=)

Gene: CDH1 (cadherin 1; plus strand). Cytogenetic location: 16q22.1.
Variant type: single nucleotide variant.
Coding change: c.1374T>C on transcript NM_004360.5 (MANE Select); coding-DNA position 1374, T replaced by C.
Protein change: p.Asn458=; no amino-acid change (asparagine 458 retained).
Molecular consequence: synonymous variant. On other transcripts: 5 prime UTR variant (2).
Genome position (GRCh38, 1-based): chr16:68,815,568, T>C. VCF-style: chr16-68815568-T-C. GRCh37 (hg19) VCF-style: chr16-68849471-T-C.
Other names: c.1374T>C (LRG_301t1); c.1191T>C, p.Asn397= (NM_001317184.2); c.-175T>C (NM_001317185.2); c.-446T>C (NM_001317186.2).
Identifiers: ClinVar variation 186028 (VCV000186028.17), dbSNP rs786202640, ClinGen allele CA193656.